The following is an entry in ClinVar:

ClinVar aggregate classification (germline): Uncertain significance (1 of 4 stars; one submission).

Allele frequency attached by ClinVar (database versions not stated): gnomAD exomes 0.00001; TOPMed 0.00002; gnomAD 0.00003.
gnomAD v4.1: 17 of 1,613,916 alleles (0.0011%); highest among the groups gnomAD compares: Non-Finnish European, 0.0014%; no homozygotes.

Submission:

Labcorp Genetics (formerly Invitae), Labcorp
Classification: Uncertain significance. Last evaluated: 2022-05-25. Review status: criteria provided, single submitter. Criteria: Invitae Variant Classification Sherloc (09022015). Collection method: clinical testing. Allele origin: germline.
Comment: This sequence change replaces arginine, which is basic and polar, with cysteine, which is neutral and slightly polar, at codon 223 of the VPS11 protein (p.Arg223Cys). This variant is not present in population databases (gnomAD no frequency). This variant has not been reported in the literature in individuals affected with VPS11-related conditions. Experimental studies and prediction algorithms are not available or were not evaluated, and the functional significance of this variant is currently unknown. In summary, the available evidence is currently insufficient to determine the role of this variant in disease. Therefore, it has been classified as a Variant of Uncertain Significance.

NM_021729.6(VPS11):c.667C>T (p.Arg223Cys)

Gene: VPS11 (VPS11 core subunit of CORVET and HOPS complexes; plus strand). Cytogenetic location: 11q23.3.
Variant type: single nucleotide variant.
Coding change: c.667C>T on transcript NM_021729.6 (MANE Select); coding-DNA position 667, C replaced by T.
Protein change: p.Arg223Cys; replaces arginine 223 with cysteine.
Molecular consequence: missense variant. On other transcripts: non-coding transcript variant (5).
Genome position (GRCh38, 1-based): chr11:119,071,626, C>T. VCF-style: chr11-119071626-C-T. GRCh37 (hg19) VCF-style: chr11-118942336-C-T.
Other names: c.637C>T, p.Arg213Cys (NM_001290185.2); c.679C>T, p.Arg227Cys (NM_001378218.1); c.667C>T, p.Arg223Cys (NM_001378219.1, NM_001378220.1); c.649C>T, p.Arg217Cys (NM_001378221.1); short protein forms R213C, R217C, R223C, R227C.
Identifiers: ClinVar variation 2139737 (VCV002139737.1), dbSNP rs1361842030, ClinGen allele CA382967294.